The following is an entry in ClinVar:

NM_030973.4(MED25):c.404+4A>C

Gene: MED25 (mediator complex subunit 25; plus strand). Cytogenetic location: 19q13.33.
Variant type: single nucleotide variant.
Coding change: c.404+4A>C on transcript NM_030973.4 (MANE Select); 4 bases into the intron after coding-DNA position 404, A replaced by C.
Molecular consequence: intron variant.
Genome position (GRCh38, 1-based): chr19:49,828,551, A>C. VCF-style: chr19-49828551-A-C. GRCh37 (hg19) VCF-style: chr19-50331808-A-C.
Other names: c.404+4A>C (NM_001378355.1).
Identifiers: ClinVar variation 2121978 (VCV002121978.4), dbSNP rs1426619914, ClinGen allele CA633658928.

ClinVar aggregate classification (germline): Uncertain significance (1 of 4 stars; one submission).

Conditions:
Charcot-Marie-Tooth disease type 2. Also called: Charcot-Marie-Tooth type 2. Identifiers: Orphanet 64746, MedGen C0270914, MONDO:0018993.

Allele frequency attached by ClinVar (database versions not stated): gnomAD 0.00001; TOPMed below 0.00001.
gnomAD v4.1: 1 of 1,610,020 alleles (0.000062%); highest among the groups gnomAD compares: African/African-American, 0.0013%; no homozygotes.

Submission:

Labcorp Genetics (formerly Invitae), Labcorp
Classification: Uncertain significance for Charcot-Marie-Tooth disease type 2. Last evaluated: 2022-04-06. Review status: criteria provided, single submitter. Criteria: Invitae Variant Classification Sherloc (09022015). Collection method: clinical testing. Allele origin: germline.
Comment: In summary, the available evidence is currently insufficient to determine the role of this variant in disease. Therefore, it has been classified as a Variant of Uncertain Significance. Variants that disrupt the consensus splice site are a relatively common cause of aberrant splicing (PMID: 17576681, 9536098). Algorithms developed to predict the effect of sequence changes on RNA splicing suggest that this variant is not likely to affect RNA splicing. This variant has not been reported in the literature in individuals affected with MED25-related conditions. This variant is present in population databases (no rsID available, gnomAD 0.01%). This sequence change falls in intron 4 of the MED25 gene. It does not directly change the encoded amino acid sequence of the MED25 protein. It affects a nucleotide within the consensus splice site.

Literature cited by the submitters: PubMed 17576681; PubMed 9536098.